The following is an entry in ClinVar:

NM_000540.3(RYR1):c.13952A>C (p.His4651Pro)

Gene: RYR1 (ryanodine receptor 1; plus strand). Cytogenetic location: 19q13.2.
Variant type: single nucleotide variant.
Coding change: c.13952A>C on transcript NM_000540.3 (MANE Select); coding-DNA position 13952, A replaced by C.
Protein change: p.His4651Pro; replaces histidine 4651 with proline.
Molecular consequence: missense variant.
Genome position (GRCh38, 1-based): chr19:38,572,224, A>C. VCF-style: chr19-38572224-A-C. GRCh37 (hg19) VCF-style: chr19-39062864-A-C.
Other names: c.13937A>C, p.His4646Pro (NM_001042723.2); short protein forms H4651P, H4646P.
Identifiers: ClinVar variation 65951 (VCV000065951.8), dbSNP rs118192139, ClinGen allele CA024093.

ClinVar aggregate classification (germline): Pathogenic. Review status: criteria provided, multiple submitters, no conflicts (2 of 4 stars). 4 submissions from 4 submitters: Pathogenic (2). 2 of the submissions do not count toward it. Last evaluated 2025-09-08.

Conditions:
RYR1-related disorder. Also called: RYR1-related condition; RYR1-related disorders. Identifiers: MedGen CN239331.
Central core myopathy (CMYO1A). Also called: Central core disease; Myopathy, central fibrillar; CONGENITAL MYOPATHY 1A, AUTOSOMAL DOMINANT, WITH SUSCEPTIBILITY TO MALIGNANT HYPERTHERMIA. Identifiers: Orphanet 597, MedGen C5830701, MONDO:0007294, OMIM 117000.

Submissions (4):

Labcorp Genetics (formerly Invitae), Labcorp
Classification: Pathogenic for RYR1-related disorder. Last evaluated: 2025-09-08. Review status: criteria provided, single submitter. Criteria: Invitae Variant Classification Sherloc (09022015). Collection method: clinical testing. Allele origin: germline.
Comment: This sequence change replaces histidine, which is basic and polar, with proline, which is neutral and non-polar, at codon 4651 of the RYR1 protein (p.His4651Pro). This variant is not present in population databases (gnomAD no frequency). This missense change has been observed in individual(s) with clinical features of autosomal dominant central core disease (PMID: 12565913, 35693006; internal data). In at least one individual the variant was observed to be de novo. ClinVar contains an entry for this variant (Variation ID: 65951). Invitae Evidence Modeling of protein sequence and biophysical properties (such as structural, functional, and spatial information, amino acid conservation, physicochemical variation, residue mobility, and thermodynamic stability) has been performed for this missense variant. However, the output from this modeling did not meet the statistical confidence thresholds required to predict the impact of this variant on RYR1 protein function. This variant disrupts the p.His4651 amino acid residue in RYR1. Other variant(s) that disrupt this residue have been determined to be pathogenic (PMID: 33458582, 35428369). This suggests that this residue is clinically significant, and that variants that disrupt this residue are likely to be disease-causing. For these reasons, this variant has been classified as Pathogenic.

Neuberg Centre For Genomic Medicine, NCGM
Classification: Pathogenic for Central core myopathy. Review status: criteria provided, single submitter. Criteria: ACMG Guidelines, 2015. Collection method: clinical testing. Allele origin: germline. Affected: yes.
Comment: The missense variant p.H4651P in RYR1 (NM_000540.3) has been previously reported in one patient in heterozygous state. The father of the patient was detected to be somatic mosaic for the same variant ( Davis MR et al). The variant is present in the hot-spot region for central core disease. It has been submitted to ClinVar as Pathogenic. The p.H4651P variant is novel (not in any individuals) in gnomAD Exomes and is novel (not in any individuals) in 1000 Genomes. The p.H4651P missense variant is predicted to be damaging by both SIFT and PolyPhen2. The histidine residue at codon 4651 of RYR1 is conserved in all mammalian species. The nucleotide c.13952 in RYR1 is predicted conserved by GERP++ and PhyloP across 100 vertebrates. For these reasons, this variant has been classified as Pathogenic.

GeneReviews
Classification: Pathogenic for Central Core Disease. Last evaluated: 2010-05-11. Review status: no assertion criteria provided. Collection method: curation. Allele origin: unknown. Not counted in ClinVar's aggregate classification.
ClinVar note: Converted during submission from pathologic to Pathogenic.

RYR1 database
No classification provided. Review status: no classification provided. Collection method: not provided. Allele origin: unknown. Not counted in ClinVar's aggregate classification.

Literature cited by the submitters: PubMed 12565913 (cited by Labcorp Genetics (formerly Invitae), Labcorp); PubMed 35693006 (cited by Labcorp Genetics (formerly Invitae), Labcorp); PubMed 33458582 (cited by Labcorp Genetics (formerly Invitae), Labcorp); PubMed 35428369 (cited by Labcorp Genetics (formerly Invitae), Labcorp).